The following is an entry in ClinVar:

ClinVar aggregate classification (germline): Uncertain significance (1 of 4 stars; one submission).

Submission:

Labcorp Genetics (formerly Invitae), Labcorp
Classification: Uncertain significance. Last evaluated: 2022-10-17. Review status: criteria provided, single submitter. Criteria: Invitae Variant Classification Sherloc (09022015). Collection method: clinical testing. Allele origin: germline.
Comment: This sequence change replaces aspartic acid, which is acidic and polar, with asparagine, which is neutral and polar, at codon 42 of the KANK1 protein (p.Asp42Asn). This variant is not present in population databases (gnomAD no frequency). This variant has not been reported in the literature in individuals affected with KANK1-related conditions. Algorithms developed to predict the effect of missense changes on protein structure and function are either unavailable or do not agree on the potential impact of this missense change (SIFT: "Deleterious"; PolyPhen-2: "Probably Damaging"; Align-GVGD: "Class C0"). In summary, the available evidence is currently insufficient to determine the role of this variant in disease. Therefore, it has been classified as a Variant of Uncertain Significance.

NM_015158.5(KANK1):c.124G>A (p.Asp42Asn)

Gene: KANK1 (KN motif and ankyrin repeat domains 1; plus strand). Cytogenetic location: 9p24.3.
Variant type: single nucleotide variant.
Coding change: c.124G>A on transcript NM_015158.5 (MANE Select); coding-DNA position 124, G replaced by A.
Protein change: p.Asp42Asn; replaces aspartic acid 42 with asparagine.
Molecular consequence: missense variant. On other transcripts: 5 prime UTR variant (12), non-coding transcript variant (1).
Genome position (GRCh38, 1-based): chr9:710,890, G>A. VCF-style: chr9-710890-G-A. GRCh37 (hg19) VCF-style: chr9-710890-G-A.
Other names: c.124G>A, p.Asp42Asn (NM_001256876.3, NM_001256877.3, NM_001354331.2 and 2 more transcripts); c.-351G>A (NM_001354333.2, NM_001354335.2, NM_001354336.2 and 9 more transcripts); short protein forms D42N.
Identifiers: ClinVar variation 1992534 (VCV001992534.4), dbSNP rs2539667462, ClinGen allele CA372745520.